The following is an entry in ClinVar:

NM_138615.3(DHX30):c.2547C>A (p.Asp849Glu)

Gene: DHX30 (DExH-box helicase 30; plus strand). Cytogenetic location: 3p21.31.
Variant type: single nucleotide variant.
Coding change: c.2547C>A on transcript NM_138615.3 (MANE Select); coding-DNA position 2547, C replaced by A.
Protein change: p.Asp849Glu; replaces aspartic acid 849 with glutamic acid.
Molecular consequence: missense variant.
Genome position (GRCh38, 1-based): chr3:47,848,522, C>A. VCF-style: chr3-47848522-C-A. GRCh37 (hg19) VCF-style: chr3-47890012-C-A.
Other names: c.2463C>A, p.Asp821Glu (NM_001330990.2); c.2430C>A, p.Asp810Glu (NM_014966.4); short protein forms D810E, D821E, D849E.
Identifiers: ClinVar variation 4975671 (VCV004975671.1).

ClinVar aggregate classification (germline): Uncertain significance (1 of 4 stars; one submission).

Submission:

GeneDx
Classification: Uncertain significance. Last evaluated: 2026-01-25. Review status: criteria provided, single submitter. Criteria: GeneDx Variant Classification Process June 2021. Collection method: clinical testing. Allele origin: germline.
Comment: Not observed at significant frequency in large population cohorts (gnomAD); In silico analysis suggests that this missense variant does not alter protein structure/function; Has not been previously published as pathogenic or benign to our knowledge